The following is an entry in ClinVar:

ClinVar aggregate classification (germline): Benign. Review status: criteria provided, multiple submitters, no conflicts (2 of 4 stars). 10 submissions from 10 submitters: Benign (7). 3 of the submissions do not count toward it. Last evaluated 2026-02-04.

Conditions:
Retinal dystrophy. Also called: Inherited retinal dystrophy. Identifiers: Orphanet 71862, MedGen C0854723, MeSH D058499, MONDO:0019118, HP:0000556.
Retinitis pigmentosa (RP). Identifiers: Orphanet 791, MedGen C0035334, MeSH D012174, MONDO:0019200, OMIM 268000. Inheritance: Autosomal dominant, autosomal recessive and X linked inheritance.
Retinitis pigmentosa 25 (RP25). Identifiers: Orphanet 791, MedGen C1864446, MONDO:0011272, OMIM 602772.

Allele frequency attached by ClinVar (database versions not stated): gnomAD 0.10365 and 0.10143; TOPMed 0.10778; gnomAD exomes 0.11407 and 0.13051; ExAC 0.11433; ESP Exome Variant Server 0.11043; 1000 Genomes Project 30x 0.09478; 1000 Genomes Project 0.09665.
gnomAD v4.1: 195,481 of 1,532,292 alleles (13%); highest among the groups gnomAD compares: East Asian, 15%; 13,596 homozygotes.

Submissions (10):

Labcorp Genetics (formerly Invitae), Labcorp
Classification: Benign. Last evaluated: 2026-02-04. Review status: criteria provided, single submitter. Criteria: Invitae Variant Classification Sherloc (09022015). Collection method: clinical testing. Allele origin: germline.

Women's Health and Genetics/Laboratory Corporation of America, LabCorp
Classification: Benign. Last evaluated: 2025-11-24. Review status: criteria provided, single submitter. Criteria: LabCorp Variant Classification Summary - May 2015. Collection method: clinical testing. Allele origin: germline.

Dept Of Ophthalmology, Nagoya University
Classification: Benign for Retinal dystrophy. Last evaluated: 2023-10-01. Review status: criteria provided, single submitter. Criteria: Submitter's publication. Collection method: research. Allele origin: germline. Affected: yes.

Genome-Nilou Lab
Classification: Benign for Retinitis pigmentosa 25. Last evaluated: 2021-07-01. Review status: criteria provided, single submitter. Criteria: ACMG Guidelines, 2015. Collection method: clinical testing. Allele origin: germline. Affected: no.

Illumina Laboratory Services, Illumina
Classification: Benign for Retinitis pigmentosa. Last evaluated: 2018-01-12. Review status: criteria provided, single submitter. Criteria: ICSL Variant Classification Criteria 13 December 2019. Collection method: clinical testing. Allele origin: germline.
Comment: This variant was observed in the ICSL laboratory as part of a predisposition screen in an ostensibly healthy population. It had not been previously curated by ICSL or reported in the Human Gene Mutation Database (HGMD: prior to June 1st, 2018), and was therefore a candidate for classification through an automated scoring system. Utilizing variant allele frequency, disease prevalence and penetrance estimates, and inheritance mode, an automated score was calculated to assess if this variant is too frequent to cause the disease. Based on the score and internal cut-off values, a variant classified as benign is not then subjected to further curation. The score for this variant resulted in a classification of benign for this disease.

Eurofins Ntd Llc (ga)
Classification: Benign. Last evaluated: 2013-09-19. Review status: criteria provided, single submitter. Criteria: EGL Classification Definitions 2015. Collection method: clinical testing. Allele origin: germline. Observed: 2 variant alleles, 2 heterozygotes.

GeneDx
Classification: Benign. Last evaluated: 2011-08-11. Review status: criteria provided, single submitter. Criteria: GeneDx Variant Classification (06012015). Collection method: clinical testing. Allele origin: germline. Affected: yes.
Comment: This variant is considered likely benign or benign based on one or more of the following criteria: it is a conservative change, it occurs at a poorly conserved position in the protein, it is predicted to be benign by multiple in silico algorithms, and/or has population frequency not consistent with disease.

Natera, Inc.
Classification: Benign for Retinitis pigmentosa. Last evaluated: 2020-09-16. Review status: no assertion criteria provided. Collection method: clinical testing. Allele origin: germline. Not counted in ClinVar's aggregate classification.

Clinical Genetics DNA and cytogenetics Diagnostics Lab, Erasmus MC, Erasmus Medical Center
Classification: Benign. Review status: no assertion criteria provided. Collection method: clinical testing. Allele origin: germline. Affected: yes. Study: VKGL Data-share Consensus. Not counted in ClinVar's aggregate classification.

Joint Genome Diagnostic Labs from Nijmegen and Maastricht, Radboudumc and MUMC+
Classification: Benign. Review status: no assertion criteria provided. Collection method: clinical testing. Allele origin: germline. Affected: yes. Study: VKGL Data-share Consensus. Not counted in ClinVar's aggregate classification.

NM_001142800.2(EYS):c.3936A>G (p.Thr1312=)

Gene: EYS (EGF-like photoreceptor maintenance factor; minus strand). Cytogenetic location: 6q12.
Variant type: single nucleotide variant.
Coding change: c.3936A>G on transcript NM_001142800.2 (MANE Select); coding-DNA position 3936, A replaced by G.
Protein change: p.Thr1312=; no amino-acid change (threonine 1312 retained).
Molecular consequence: synonymous variant.
Genome position (GRCh38, 1-based): chr6:64,591,931, T>C on the plus strand (A>G on the coding strand, the complement: EYS is on the minus strand). VCF-style: chr6-64591931-T-C. GRCh37 (hg19) VCF-style: chr6-65301824-T-C.
Other names: p.T1312T:ACA>ACG; c.3936A>G (FM209056.1); c.3936A>G, p.Thr1312= (NM_001292009.2).
Identifiers: ClinVar variation 93607 (VCV000093607.26), dbSNP rs12662610, ClinGen allele CA147129.
Genomic context (GRCh38, chr6:64,591,931, plus strand): 5'-CTCTCTAGTGACAATCAGTTCTTGGAGTAAGTAGCTTTCCAAGGGTGTGCTAATTCTTAA[T>C]GTTGCCAAACCAGTGGTTGGGAGAATGTCGTGCTTGACAATGCCTGTCTGTTTTGGACCT-3'
Protein context (NP_001136272.1, residues 1302-1322): HDILPTTGLA[Thr1312=]LRISTPLESY